The following is an entry in ClinVar:

NM_003072.5(SMARCA4):c.3547-5C>G

Gene: SMARCA4 (SWI/SNF related BAF chromatin remodeling complex subunit ATPase 4; plus strand). Cytogenetic location: 19p13.2.
Variant type: single nucleotide variant.
Coding change: c.3547-5C>G on transcript NM_003072.5 (MANE Select); 5 bases into the intron before coding-DNA position 3547, C replaced by G.
Molecular consequence: intron variant.
Genome position (GRCh38, 1-based): chr19:11,033,285, C>G. VCF-style: chr19-11033285-C-G. GRCh37 (hg19) VCF-style: chr19-11143961-C-G.
Other names: c.3547-5C>G (NM_001128844.3, NM_001128849.3, NM_001128847.4 and 6 more transcripts).
Identifiers: ClinVar variation 4170174 (VCV004170174.1).

ClinVar aggregate classification (germline): Uncertain significance (1 of 4 stars; one submission).

Conditions:
Hereditary cancer-predisposing syndrome. Also called: Neoplastic Syndromes, Hereditary; Tumor predisposition; Hereditary Cancer Syndrome; Hereditary neoplastic syndrome. Identifiers: Orphanet 140162, MedGen C0027672, MeSH D009386, MONDO:0015356.

Submission:

Ambry Genetics
Classification: Uncertain significance for Hereditary cancer-predisposing syndrome. Last evaluated: 2025-08-18. Review status: criteria provided, single submitter. Criteria: Ambry Variant Classification Scheme 2023. Collection method: clinical testing. Allele origin: germline.
Comment: The c.3547-5C>G intronic variant results from a C to G substitution 5 nucleotides upstream from coding exon 25 in the SMARCA4 gene. This nucleotide position is not well conserved in available vertebrate species. In silico splice site analysis predicts that this alteration will not have any significant effect on splicing. Based on the available evidence, the clinical significance of this variant remains unclear.